The following is an entry in ClinVar:

NM_000059.4(BRCA2):c.5163dup (p.Ser1722fs)

Gene: BRCA2 (BRCA2 DNA repair associated; plus strand). Cytogenetic location: 13q13.1.
Variant type: Duplication.
Coding change: c.5163dup on transcript NM_000059.4 (MANE Select); coding-DNA position 5163, one base duplicated (C; older notation c.5163dupC).
Protein change: p.Ser1722fs; shifts the reading frame from serine 1722.
Molecular consequence: frameshift variant.
Genome position (GRCh38, 1-based): chr13:32,339,518, C duplicated. VCF-style (leftmost placement, unchanged base first): chr13-32339517-A-AC. GRCh37 (hg19) VCF-style: chr13-32913654-A-AC.
Other names: c.5163dupC (NM_000059.3); short protein forms S1722fs.
Identifiers: ClinVar variation 1330081 (VCV001330081.7), dbSNP rs2137514578, ClinGen allele CA2573053811.

ClinVar aggregate classification (germline): Pathogenic. Review status: criteria provided, multiple submitters, no conflicts (2 of 4 stars). 3 submissions from 3 submitters: Pathogenic (3). Last evaluated 2026-07-20.

Conditions:
Hereditary cancer-predisposing syndrome. Also called: Hereditary Cancer Syndrome; Neoplastic Syndromes, Hereditary; Hereditary neoplastic syndrome; Tumor predisposition. Identifiers: Orphanet 140162, MedGen C0027672, MeSH D009386, MONDO:0015356.
Hereditary breast ovarian cancer syndrome. Also called: Breast and ovarian cancer; Hereditary breast and ovarian cancer syndrome; Hereditary breast and ovarian cancer syndrome (HBOC); Hereditary breast and ovarian cancer; Hereditary breast and/or ovarian cancer syndrome; BRCA1- and BRCA2-Associated Hereditary Breast and Ovarian Cancer. Identifiers: Orphanet 145, MedGen C0677776, MeSH D061325, MONDO:0003582. Disease mechanism: loss of function.

Submissions (3):

Ambry Genetics
Classification: Pathogenic for Hereditary cancer-predisposing syndrome. Last evaluated: 2026-07-20. Review status: criteria provided, single submitter. Criteria: Ambry Variant Classification Scheme 2023. Collection method: clinical testing. Allele origin: germline.
Comment: The c.5163dupC pathogenic mutation, located in coding exon 10 of the BRCA2 gene, results from a duplication of C at nucleotide position 5163, causing a translational frameshift with a predicted alternate stop codon (p.S1722Qfs*5). This variant is considered to be rare based on population cohorts in the Genome Aggregation Database (gnomAD). This alteration is expected to result in loss of function by premature protein truncation or nonsense-mediated mRNA decay. As such, this alteration is interpreted as a disease-causing mutation.

Labcorp Genetics (formerly Invitae), Labcorp
Classification: Pathogenic for Hereditary breast ovarian cancer syndrome. Last evaluated: 2022-01-20. Review status: criteria provided, single submitter. Criteria: Invitae Variant Classification Sherloc (09022015). Collection method: clinical testing. Allele origin: germline.
Comment: For these reasons, this variant has been classified as Pathogenic. ClinVar contains an entry for this variant (Variation ID: 1330081). This variant has not been reported in the literature in individuals affected with BRCA2-related conditions. This variant is not present in population databases (gnomAD no frequency). This sequence change creates a premature translational stop signal (p.Ser1722Glnfs*5) in the BRCA2 gene. It is expected to result in an absent or disrupted protein product. Loss-of-function variants in BRCA2 are known to be pathogenic (PMID: 20104584).

Quest Diagnostics Nichols Institute San Juan Capistrano
Classification: Pathogenic. Last evaluated: 2021-02-18. Review status: criteria provided, single submitter. Criteria: Quest Diagnostics criteria. Collection method: clinical testing. Allele origin: unknown.
Comment: This frameshift variant alters the translational reading frame of the BRCA2 mRNA and causes the premature termination of BRCA2 protein synthesis. To the best of our knowledge, the variant has not been reported in online databases or the published literature. This variant has not been reported in large, multi-ethnic general populations. Based on the available information, this variant is classified as pathogenic.

Literature cited by the submitters: PubMed 20104584 (cited by Labcorp Genetics (formerly Invitae), Labcorp).